The following is an entry in ClinVar:

NM_002432.3(MNDA):c.814T>C (p.Ser272Pro)

Gene: MNDA (myeloid cell nuclear differentiation antigen; plus strand). Cytogenetic location: 1q23.1.
Variant type: single nucleotide variant.
Coding change: c.814T>C on transcript NM_002432.3 (MANE Select); coding-DNA position 814, T replaced by C.
Protein change: p.Ser272Pro; replaces serine 272 with proline.
Molecular consequence: missense variant.
Genome position (GRCh38, 1-based): chr1:158,845,830, T>C. VCF-style: chr1-158845830-T-C. GRCh37 (hg19) VCF-style: chr1-158815620-T-C.
Other names: short protein forms S272P.
Identifiers: ClinVar variation 3397296 (VCV003397296.1).

ClinVar aggregate classification (germline): Uncertain significance (1 of 4 stars; one submission).

Submission:

Ambry Genetics
Classification: Uncertain significance. Last evaluated: 2024-09-30. Review status: criteria provided, single submitter. Criteria: Ambry Variant Classification Scheme 2023. Collection method: clinical testing. Allele origin: germline.
Comment: The p.S272P variant (also known as c.814T>C), located in coding exon 4 of the MNDA gene, results from a T to C substitution at nucleotide position 814. The serine at codon 272 is replaced by proline, an amino acid with similar properties. This amino acid position is conserved. In addition, this alteration is predicted to be tolerated by in silico analysis. Based on the available evidence, the clinical significance of this variant remains unclear.